The following is an entry in ClinVar:

ClinVar aggregate classification (germline): Likely pathogenic (1 of 4 stars; one submission).

Conditions:
Trichomegaly (TCMGLY). Identifiers: MedGen C0854699, MONDO:0008593, OMIM 190330.

Submission:

First Genomix Gene Laboratory, Genetic Diagnostics Department
Classification: Likely pathogenic for Trichomegaly. Last evaluated: 2025-05-30. Review status: criteria provided, single submitter. Criteria: ACMG Guidelines, 2015. Collection method: clinical testing. Allele origin: germline. Inheritance: Autosomal recessive inheritance. Affected: no. Observed: 1 variant allele.

NM_004464.4(FGF5):c.87_88del (p.Gly30fs)

Gene: FGF5 (fibroblast growth factor 5; plus strand). Cytogenetic location: 4q21.21.
Variant type: Deletion.
Coding change: c.87_88del on transcript NM_004464.4 (MANE Select); coding-DNA positions 87 to 88, 2 bases deleted (AG; older notation c.87_88delAG).
Protein change: p.Gly30fs; shifts the reading frame from glycine 30.
Molecular consequence: frameshift variant.
Genome position (GRCh38, 1-based): chr4:80,266,911-80,266,912, AG deleted. VCF-style (leftmost placement, unchanged base first): chr4-80266910-AAG-A. GRCh37 (hg19) VCF-style: chr4-81188064-AAG-A.
Other names: c.87_88del, p.Gly30fs (NM_033143.2); c.87_88delAG (NM_004464.4); short protein forms G30fs.
Identifiers: ClinVar variation 4849422 (VCV004849422.1).
Genomic context (GRCh38, chr4:80,266,910, plus strand): 5'-TCTTCTTCAGCCACCTGATCCTCAGCGCCTGGGCTCACGGGGAGAAGCGTCTCGCCCCCA[AAG>A]GGCAACCCGGACCCGCTGCCACTGATAGGAACCCTAGAGGCTCCAGCAGCAGACAGAGCA-3'